The following is an entry in ClinVar:

ClinVar aggregate classification (germline): Uncertain significance. Review status: criteria provided, multiple submitters, no conflicts (2 of 4 stars). 5 submissions from 5 submitters: Uncertain significance (5). Last evaluated 2025-01-24.

Conditions:
Majeed syndrome (MJDS). Also called: LPIN2-Related Majeed Syndrome; CHRONIC RECURRENT MULTIFOCAL OSTEOMYELITIS 1, WITH CONGENITAL DYSERYTHROPOIETIC ANEMIA, WITH OR WITHOUT NEUTROPHILIC DERMATOSIS. Identifiers: Orphanet 77297, MedGen C1864997, MONDO:0012316, OMIM 609628.

Allele frequency attached by ClinVar (database versions not stated): gnomAD exomes 0.00004; ExAC 0.00005; gnomAD 0.00005; TOPMed 0.00006; 1000 Genomes Project 30x 0.00016; 1000 Genomes Project 0.00020.

Submissions (5):

ARUP Laboratories, Molecular Genetics and Genomics, ARUP Laboratories
Classification: Uncertain significance for Majeed syndrome. Last evaluated: 2025-01-24. Review status: criteria provided, single submitter. Criteria: ARUP Molecular Germline Variant Investigation Process 2024. Collection method: clinical testing. Allele origin: germline.
Comment: The LPIN2 c.2650C>T; p.Arg884Ter variant (rs547662448), to our knowledge, is not reported in the medical literature but is reported in ClinVar (Variation ID: 234344). This variant is found in the general population with an overall allele frequency of 0.004% (12/282694 alleles) in the Genome Aggregation Database (v2.1.1). This variant results in a premature termination codon in the last exon of the LPIN2 gene. While this may not lead to nonsense-mediated decay, it is expected to create a truncated protein affecting the last 13 amino acids of LPIN2. Due to limited information, the clinical significance of this variant is uncertain at this time.

Revvity Omics, Revvity
Classification: Uncertain significance for Majeed syndrome. Last evaluated: 2023-08-29. Review status: criteria provided, single submitter. Criteria: ACMG Guidelines, 2015. Collection method: clinical testing. Allele origin: germline.

Labcorp Genetics (formerly Invitae), Labcorp
Classification: Uncertain significance for Majeed syndrome. Last evaluated: 2022-07-01. Review status: criteria provided, single submitter. Criteria: Invitae Variant Classification Sherloc (09022015). Collection method: clinical testing. Allele origin: germline.
Comment: This sequence change creates a premature translational stop signal (p.Arg884*) in the LPIN2 gene. While this is not anticipated to result in nonsense mediated decay, it is expected to disrupt the last 13 amino acid(s) of the LPIN2 protein. This variant is present in population databases (rs547662448, gnomAD 0.01%). This variant has not been reported in the literature in individuals affected with LPIN2-related conditions. ClinVar contains an entry for this variant (Variation ID: 234344). Experimental studies and prediction algorithms are not available or were not evaluated, and the functional significance of this variant is currently unknown. In summary, the available evidence is currently insufficient to determine the role of this variant in disease. Therefore, it has been classified as a Variant of Uncertain Significance.

Fulgent Genetics
Classification: Uncertain significance for Majeed syndrome. Last evaluated: 2022-04-15. Review status: criteria provided, single submitter. Criteria: ACMG Guidelines, 2015. Collection method: clinical testing. Allele origin: unknown.

GeneDx
Classification: Uncertain significance. Last evaluated: 2017-05-08. Review status: criteria provided, single submitter. Criteria: GeneDx Variant Classification (06012015). Collection method: clinical testing. Allele origin: germline. Affected: yes.
Comment: The R884X variant has not been published as a pathogenic variant, nor has it been reported as a benign variant to our knowledge. The R884X nonsense variant results in the loss of the final 13 amino acids of the LPIN2 protein; however, no nonsense-mediated decay is predicted and no downstream loss of function variants have been reported to our knowledge. The variant is observed in 6/120838 (.00497%) alleles in the ExAC dataset (Lek et al., 2016).

NM_001375808.2(LPIN2):c.2650C>T (p.Arg884Ter)

Gene: LPIN2 (lipin 2; minus strand). Cytogenetic location: 18p11.31.
Variant type: single nucleotide variant.
Coding change: c.2650C>T on transcript NM_001375808.2 (MANE Select); coding-DNA position 2650, C replaced by T.
Protein change: p.Arg884Ter; replaces arginine 884 with a stop codon.
Molecular consequence: nonsense.
Genome position (GRCh38, 1-based): chr18:2,920,334, G>A on the plus strand (C>T on the coding strand, the complement: LPIN2 is on the minus strand). VCF-style: chr18-2920334-G-A. GRCh37 (hg19) VCF-style: chr18-2920332-G-A.
Other names: c.2650C>T, p.Arg884Ter (NM_001375809.1, NM_014646.2); short protein forms R884*.
Identifiers: ClinVar variation 234344 (VCV000234344.9), dbSNP rs547662448, ClinGen allele CA8872646.